The following is an entry in ClinVar:

NM_001148.6(ANK2):c.9274G>T (p.Gly3092Trp)

Gene: ANK2 (ankyrin 2; plus strand). Cytogenetic location: 4q26.
Variant type: single nucleotide variant.
Coding change: c.9274G>T on transcript NM_001148.6 (MANE Select); coding-DNA position 9274, G replaced by T.
Protein change: p.Gly3092Trp; replaces glycine 3092 with tryptophan.
Molecular consequence: missense variant. On other transcripts: intron variant (68).
Genome position (GRCh38, 1-based): chr4:113,357,892, G>T. VCF-style: chr4-113357892-G-T. GRCh37 (hg19) VCF-style: chr4-114279048-G-T.
Other names: c.4286-2931G>T (NM_001354261.2); c.4166-2931G>T (NM_001386156.1, NM_001354257.2); c.4262-2931G>T (NM_001354264.2); c.4241-2931G>T (NM_001354267.2, NM_001386162.1, NM_001354249.2 and 2 more transcripts); c.4142-2931G>T (NM_001354271.2, NM_001386151.1, NM_001354260.2); c.3944-2931G>T (NM_001386158.1); c.4472-2931G>T (NM_001354241.2, NM_001386144.1, NM_001354240.2); c.4439-2931G>T (NM_001354225.2); and 35 more; short protein forms G1892W, G3014W, G3092W, G3131W, G3139W.
Identifiers: ClinVar variation 2573951 (VCV002573951.1), dbSNP rs2505941391, ClinGen allele CA357936976.

ClinVar aggregate classification (germline): Uncertain significance (1 of 4 stars; one submission).

Submission:

GeneDx
Classification: Uncertain significance. Last evaluated: 2023-01-18. Review status: criteria provided, single submitter. Criteria: GeneDx Variant Classification Process June 2021. Collection method: clinical testing. Allele origin: germline. Affected: yes.
Comment: Not observed at significant frequency in large population cohorts (gnomAD); In silico analysis supports that this missense variant has a deleterious effect on protein structure/function; Has not been previously published as pathogenic or benign to our knowledge